The following is an entry in ClinVar:

ClinVar aggregate classification (germline): Uncertain significance (1 of 4 stars; one submission).

Conditions:
RYR1-related disorder. Also called: RYR1-related disorders; RYR1-related condition. Identifiers: MedGen CN239331.

Allele frequency attached by ClinVar (database versions not stated): ExAC 0.00002; gnomAD exomes below 0.00001 and 0.00001.
gnomAD v4.1: 2 of 1,613,946 alleles (0.00012%); highest among the groups gnomAD compares: East Asian, 0.0045%; no homozygotes.

Submission:

Labcorp Genetics (formerly Invitae), Labcorp
Classification: Uncertain significance for RYR1-Related Disorders. Last evaluated: 2018-07-05. Review status: criteria provided, single submitter. Criteria: Invitae Variant Classification Sherloc (09022015). Collection method: clinical testing. Allele origin: germline.
Comment: This sequence change replaces valine with isoleucine at codon 4583 of the RYR1 protein (p.Val4583Ile). The valine residue is highly conserved and there is a small physicochemical difference between valine and isoleucine. This variant is present in population databases (rs767849171, ExAC 0.02%). This variant has not been reported in the literature in individuals with RYR1-related disease. Algorithms developed to predict the effect of missense changes on protein structure and function are either unavailable or do not agree on the potential impact of this missense change (SIFT: "Deleterious"; PolyPhen-2: "Not Available"; Align-GVGD: "Class C0"). This missense change is located in a region of the RYR1 protein where a significant number of previously reported RYR1 missense mutations are found (PMID: 16084090). These observations suggest that a previously unreported missense substitution within this region may affect protein function, but experiments have not been done to test this possibility. In summary, the available evidence is currently insufficient to determine the role of this variant in disease. Therefore, it has been classified as a Variant of Uncertain Significance.

Literature cited by the submitters: PubMed 16084090.

NM_000540.3(RYR1):c.13747G>A (p.Val4583Ile)

Gene: RYR1 (ryanodine receptor 1; plus strand). Cytogenetic location: 19q13.2.
Variant type: single nucleotide variant.
Coding change: c.13747G>A on transcript NM_000540.3 (MANE Select); coding-DNA position 13747, G replaced by A.
Protein change: p.Val4583Ile; replaces valine 4583 with isoleucine.
Molecular consequence: missense variant.
Genome position (GRCh38, 1-based): chr19:38,572,019, G>A. VCF-style: chr19-38572019-G-A. GRCh37 (hg19) VCF-style: chr19-39062659-G-A.
Other names: c.13732G>A, p.Val4578Ile (NM_001042723.2); short protein forms V4583I, V4578I.
Identifiers: ClinVar variation 581251 (VCV000581251.1), dbSNP rs767849171, ClinGen allele CA060496.
Genomic context (GRCh38, chr19:38,572,019, plus strand): 5'-ATTTTGTGAGTGGGCTCTGCATGTGGCAGACCCACAGATGAATCTCTGTCCCCATTTCAG[G>A]TCTCAGACTCTCCACCAGGGGAGGACGACATGGAAGGCTCAGCTGCTGGGGATGTGTCAG-3'
Protein context (NP_000531.2, residues 4573-4593): AINFILLFYK[Val4583Ile]SDSPPGEDDM